The following is an entry in ClinVar:

NC_012920.1(MT-ND6):m.14564A>G

Gene: MT-ND6 (mitochondrially encoded NADH dehydrogenase 6; minus strand).
Variant type: single nucleotide variant.
Genome position: chrM-14564-A-G.
Identifiers: ClinVar variation 693737 (VCV000693737.1), dbSNP rs1556424461, ClinGen allele CA414823063.

ClinVar aggregate classification (germline): Likely benign (1 of 4 stars; one submission).

Conditions:
Leigh syndrome (NULS). Also called: Leigh's necrotizing encephalopathy; Leigh's disease; Leigh's syndrome; LEIGH SYNDROME, NUCLEAR; Leigh Syndrome (mtDNA deletion); Leigh Disease. Identifiers: Orphanet 506, MedGen C2931891, MONDO:0009723, OMIM 256000.

Submission:

Wong Mito Lab, Molecular and Human Genetics, Baylor College of Medicine
Classification: Likely benign for Leigh syndrome. Last evaluated: 2019-10-17. Review status: criteria provided, single submitter. Criteria: Modified ACMG Guidelines (Unpublished). Collection method: clinical testing. Allele origin: germline.
Comment: The NC_012920.1:m.14564A>G (YP_003024037.1:p.Val37Ala) variant in MTND6 gene is interpretated to be a Likely Benign variant based on the modified ACMG guidelines (unpublished). This variant meets the following evidence codes: BS1, BP4

Literature cited by the submitters: PubMed 19555656.